The following is an entry in ClinVar:

NM_000651.6(CR1):c.148C>T (p.Pro50Ser)

Gene: CR1 (complement C3b/C4b receptor 1 (Knops blood group); plus strand). Cytogenetic location: 1q32.2.
Variant type: single nucleotide variant.
Coding change: c.148C>T on transcript NM_000651.6 (MANE Select); coding-DNA position 148, C replaced by T.
Protein change: p.Pro50Ser; replaces proline 50 with serine.
Molecular consequence: missense variant.
Genome position (GRCh38, 1-based): chr1:207,505,930, C>T. VCF-style: chr1-207505930-C-T. GRCh37 (hg19) VCF-style: chr1-207679275-C-T.
Other names: c.148C>T, p.Pro50Ser (NM_000573.4, NM_001381851.1); short protein forms P50S.
Identifiers: ClinVar variation 1050082 (VCV001050082.2), dbSNP rs774858867, ClinGen allele CA1369288.

ClinVar aggregate classification (germline): Uncertain significance. Review status: criteria provided, single submitter (1 of 4 stars). 2 submissions from 2 submitters: Uncertain significance (1). 1 of the submissions does not count toward it. Last evaluated 2021-10-22.

Allele frequency attached by ClinVar (database versions not stated): ExAC 0.00008; gnomAD exomes 0.00008 and 0.00016; gnomAD 0.00009; TOPMed 0.00010.
gnomAD v4.1: 256 of 1,613,740 alleles (0.016%); highest among the groups gnomAD compares: Non-Finnish European, 0.02%; no homozygotes.

Submissions (2):

Ambry Genetics
Classification: Uncertain significance. Last evaluated: 2021-10-22. Review status: criteria provided, single submitter. Criteria: Ambry Variant Classification Scheme 2023. Collection method: clinical testing. Allele origin: germline.

Department of Pathology and Laboratory Medicine, Sinai Health System
Classification: Uncertain significance. Review status: no assertion criteria provided. Collection method: clinical testing. Allele origin: unknown. Affected: yes. Study: The Canadian Open Genetics Repository (COGR). Not counted in ClinVar's aggregate classification.
Comment: The CR1 p.Pro50Ser variant was not identified in the literature nor was it identified in ClinVar. The variant was identified in dbSNP (ID: rs774858867). The variant was identified in control databases in 20 of 280322 chromosomes at a frequency of 0.00007135 (Genome Aggregation Database March 6, 2019, v2.1.1). The variant was observed in the following populations: Other in 1 of 7126 chromosomes (freq: 0.00014), European (non-Finnish) in 17 of 128266 chromosomes (freq: 0.000133), South Asian in 1 of 30578 chromosomes (freq: 0.000033), Latino in 1 of 35294 chromosomes (freq: 0.000028), but was not observed in the African, Ashkenazi Jewish, East Asian, or European (Finnish) populations. The p.Pro50Ser residue is not conserved in mammals and four out of five computational analyses (PolyPhen-2, SIFT, AlignGVGD, BLOSUM, MutationTaster) do not suggest a high likelihood of impact to the protein; however, this information is not predictive enough to rule out pathogenicity. The variant occurs outside of the splicing consensus sequence and 1 of 4 in silico or computational prediction software programs (SpliceSiteFinder, MaxEntScan, NNSPLICE, GeneSplicer) predict a greater than 10% difference in splicing; this is not very predictive of pathogenicity. In summary, based on the above information the clinical significance of this variant cannot be determined with certainty at this time. This variant is classified as a variant of uncertain significance.